The following is an entry in ClinVar:

ClinVar aggregate classification (germline): Pathogenic (1 of 4 stars; one submission).

Conditions:
Short-rib thoracic dysplasia 13 with or without polydactyly (SRTD13). Identifiers: Orphanet 474, MedGen C4225378, MONDO:0014577, OMIM 616300.

Allele frequency attached by ClinVar (database versions not stated): gnomAD exomes below 0.00001.
gnomAD v4.1: 1 of 1,607,182 alleles (0.000062%); highest among the groups gnomAD compares: Non-Finnish European, 0.000085%; no homozygotes.

Submission:

Labcorp Genetics (formerly Invitae), Labcorp
Classification: Pathogenic for Short-rib thoracic dysplasia 13 with or without polydactyly. Last evaluated: 2023-02-03. Review status: criteria provided, single submitter. Criteria: Invitae Variant Classification Sherloc (09022015). Collection method: clinical testing. Allele origin: germline.
Comment: This variant disrupts a region of the CEP120 protein in which other variant(s) (p.Ile975Ser) have been determined to be pathogenic (PMID: 27208211, 30988386). This suggests that this is a clinically significant region of the protein, and that variants that disrupt it are likely to be disease-causing. For these reasons, this variant has been classified as Pathogenic. This variant has not been reported in the literature in individuals affected with CEP120-related conditions. This variant is not present in population databases (gnomAD no frequency). This sequence change creates a premature translational stop signal (p.Gln915*) in the CEP120 gene. While this is not anticipated to result in nonsense mediated decay, it is expected to disrupt the last 72 amino acid(s) of the CEP120 protein.

Literature cited by the submitters: PubMed 27208211; PubMed 30988386.

NM_001375405.1(CEP120):c.2743C>T (p.Gln915Ter)

Gene: CEP120 (centrosomal protein 120; minus strand). Cytogenetic location: 5q23.2.
Variant type: single nucleotide variant.
Coding change: c.2743C>T on transcript NM_001375405.1 (MANE Select); coding-DNA position 2743, C replaced by T.
Protein change: p.Gln915Ter; replaces glutamine 915 with a stop codon.
Molecular consequence: nonsense. On other transcripts: 3 prime UTR variant (1), non-coding transcript variant (1).
Genome position (GRCh38, 1-based): chr5:123,346,737, G>A on the plus strand (C>T on the coding strand, the complement: CEP120 is on the minus strand). VCF-style: chr5-123346737-G-A. GRCh37 (hg19) VCF-style: chr5-122682431-G-A.
Other names: c.2665C>T, p.Gln889Ter (NM_001166226.2); c.2608C>T, p.Gln870Ter (NM_001375406.1); c.*12C>T (NM_001375407.1); c.2170C>T, p.Gln724Ter (NM_001375408.1, NM_001375409.1); c.2743C>T, p.Gln915Ter (NM_153223.4); short protein forms Q870*, Q889*, Q724*, Q915*.
Identifiers: ClinVar variation 3013485 (VCV003013485.3), dbSNP rs2479647819, ClinGen allele CA360894282.